The following is an entry in ClinVar:

ClinVar aggregate classification (germline): Uncertain significance. Review status: criteria provided, multiple submitters, no conflicts (2 of 4 stars). 2 submissions from 2 submitters: Uncertain significance (2). Last evaluated 2024-02-26.

Conditions:
CHARGE syndrome (CHARGE). Also called: Hittner Hirsch Kreh syndrome; CHARGE ASSOCIATION--COLOBOMA, HEART ANOMALY, CHOANAL ATRESIA, RETARDATION, GENITAL AND EAR ANOMALIES; Coloboma, heart anomaly, choanal atresia, retardation, genital and ear anomalies; CHARGE association; Hall-Hittner syndrome. Identifiers: Orphanet 138, MedGen C0265354, MONDO:0008965.

Allele frequency attached by ClinVar (database versions not stated): gnomAD exomes below 0.00001; TOPMed below 0.00001.
gnomAD v4.1: 4 of 1,613,938 alleles (0.00025%); highest among the groups gnomAD compares: Non-Finnish European, 0.00034%; no homozygotes.

Submissions (2):

Labcorp Genetics (formerly Invitae), Labcorp
Classification: Uncertain significance for CHARGE syndrome. Last evaluated: 2024-02-26. Review status: criteria provided, single submitter. Criteria: Invitae Variant Classification Sherloc (09022015). Collection method: clinical testing. Allele origin: germline.
Comment: This sequence change replaces tyrosine, which is neutral and polar, with histidine, which is basic and polar, at codon 1924 of the CHD7 protein (p.Tyr1924His). This variant is not present in population databases (gnomAD no frequency). This variant has not been reported in the literature in individuals affected with CHD7-related conditions. ClinVar contains an entry for this variant (Variation ID: 1902251). Advanced modeling of protein sequence and biophysical properties (such as structural, functional, and spatial information, amino acid conservation, physicochemical variation, residue mobility, and thermodynamic stability) performed at Invitae indicates that this missense variant is not expected to disrupt CHD7 protein function with a negative predictive value of 95%. In summary, the available evidence is currently insufficient to determine the role of this variant in disease. Therefore, it has been classified as a Variant of Uncertain Significance.

GeneDx
Classification: Uncertain significance. Last evaluated: 2023-03-24. Review status: criteria provided, single submitter. Criteria: GeneDx Variant Classification Process June 2021. Collection method: clinical testing. Allele origin: germline. Affected: yes.
Comment: Reported in an individual with nonsyndromic hearing loss, though this individual and the affected sibling also have a variant in the MITF gene (Zhang et al., 2018); Not observed at significant frequency in large population cohorts (gnomAD); In silico analysis supports that this missense variant does not alter protein structure/function; This variant is associated with the following publications: (PMID: 29484430)

NM_017780.4(CHD7):c.5770T>C (p.Tyr1924His)

Gene: CHD7 (chromodomain helicase DNA binding protein 7; plus strand). Cytogenetic location: 8q12.2.
Variant type: single nucleotide variant.
Coding change: c.5770T>C on transcript NM_017780.4 (MANE Select); coding-DNA position 5770, T replaced by C.
Protein change: p.Tyr1924His; replaces tyrosine 1924 with histidine.
Molecular consequence: missense variant. On other transcripts: intron variant (1).
Genome position (GRCh38, 1-based): chr8:60,852,123, T>C. VCF-style: chr8-60852123-T-C. GRCh37 (hg19) VCF-style: chr8-61764682-T-C.
Other names: c.1717-10106T>C (NM_001316690.1); short protein forms Y1924H.
Identifiers: ClinVar variation 1902251 (VCV001902251.6), dbSNP rs1805479728, ClinGen allele CA371322779.